The following is an entry in ClinVar:

NM_017763.6(RNF43):c.1283C>T (p.Pro428Leu)

Gene: RNF43 (ring finger protein 43; minus strand). Cytogenetic location: 17q22.
Variant type: single nucleotide variant.
Coding change: c.1283C>T on transcript NM_017763.6 (MANE Select); coding-DNA position 1283, C replaced by T.
Protein change: p.Pro428Leu; replaces proline 428 with leucine.
Molecular consequence: missense variant.
Genome position (GRCh38, 1-based): chr17:58,358,493, G>A on the plus strand (C>T on the coding strand, the complement: RNF43 is on the minus strand). VCF-style: chr17-58358493-G-A. GRCh37 (hg19) VCF-style: chr17-56435854-G-A.
Other names: c.1283C>T, p.Pro428Leu (NM_001305544.3); c.902C>T, p.Pro301Leu (NM_001305545.2); short protein forms P301L, P428L.
Identifiers: ClinVar variation 3789857 (VCV003789857.1).
Genomic context (GRCh38, chr17:58,358,493, plus strand): 5'-TCTCCAGATCCACTGCTGTCAGGGGGCCTGGCCCGGCGTAGGGGCACTGGGCAAGCAGCA[G>A]GGTGCTGTGAGGTGGATTGGAGGTGGCTCAGTCCCCAGCCTTGTGCATAGGGGTGCTGGG-3'
Protein context (NP_060233.3, residues 418-438): LSHLQSTSQH[Pro428Leu]AACPVPLRRA

ClinVar aggregate classification (germline): Uncertain significance (1 of 4 stars; one submission).

Submission:

Ambry Genetics
Classification: Uncertain significance. Last evaluated: 2024-12-20. Review status: criteria provided, single submitter. Criteria: Ambry Variant Classification Scheme 2023. Collection method: clinical testing. Allele origin: germline.
Comment: The p.P428L variant (also known as c.1283C>T), located in coding exon 8 of the RNF43 gene, results from a C to T substitution at nucleotide position 1283. The proline at codon 428 is replaced by leucine, an amino acid with similar properties. This amino acid position is conserved. In addition, this alteration is predicted to be tolerated by in silico analysis. Based on the available evidence, the clinical significance of this variant remains unclear.